The following is an entry in ClinVar:

NM_017551.3(GRID1):c.997G>A (p.Ala333Thr)

Gene: GRID1 (glutamate ionotropic receptor delta type subunit 1; minus strand). Cytogenetic location: 10q23.1.
Variant type: single nucleotide variant.
Coding change: c.997G>A on transcript NM_017551.3 (MANE Select); coding-DNA position 997, G replaced by A.
Protein change: p.Ala333Thr; replaces alanine 333 with threonine.
Molecular consequence: missense variant.
Genome position (GRCh38, 1-based): chr10:85,856,145, C>T on the plus strand (G>A on the coding strand, the complement: GRID1 is on the minus strand). VCF-style: chr10-85856145-C-T. GRCh37 (hg19) VCF-style: chr10-87615902-C-T.
Other names: short protein forms A333T.
Identifiers: ClinVar variation 5022523 (VCV005022523.1).

ClinVar aggregate classification (germline): Uncertain significance (1 of 4 stars; one submission).

gnomAD v4.1: 10 of 1,613,986 alleles (0.00062%); highest among the groups gnomAD compares: South Asian, 0.0022%; no homozygotes.

Submission:

Ambry Genetics
Classification: Uncertain significance. Last evaluated: 2026-08-13. Review status: criteria provided, single submitter. Criteria: Ambry Variant Classification Scheme 2023. Collection method: clinical testing. Allele origin: germline.
Comment: The c.997G>A (p.A333T) alteration is located in exon 7 (coding exon 7) of the GRID1 gene. This alteration results from a G to A substitution at nucleotide position 997, causing the alanine (A) at amino acid position 333 to be replaced by a threonine (T). Based on data from gnomAD, the A allele has an overall frequency of 0.001% (2/251220) total alleles studied. The highest observed frequency was 0.003% (1/30614) of South Asian alleles. Based on insufficient or conflicting evidence, the clinical significance of this alteration remains unclear.